The following is an entry in ClinVar:

ClinVar aggregate classification (germline): Uncertain significance (1 of 4 stars; one submission).

Allele frequency attached by ClinVar (database versions not stated): TOPMed below 0.00001.
gnomAD v4.1: 1 of 1,559,240 alleles (0.000064%); highest among the groups gnomAD compares: African/African-American, 0.0014%; no homozygotes.

Submission:

Labcorp Genetics (formerly Invitae), Labcorp
Classification: Uncertain significance. Last evaluated: 2022-11-12. Review status: criteria provided, single submitter. Criteria: Invitae Variant Classification Sherloc (09022015). Collection method: clinical testing. Allele origin: germline.
Comment: This sequence change falls in intron 15 of the IFT88 gene. It does not directly change the encoded amino acid sequence of the IFT88 protein. The frequency data for this variant in the population databases is considered unreliable, as metrics indicate poor data quality at this position in the gnomAD database. This variant has not been reported in the literature in individuals affected with IFT88-related conditions. Algorithms developed to predict the effect of sequence changes on RNA splicing suggest that this variant may create or strengthen a splice site. In summary, the available evidence is currently insufficient to determine the role of this variant in disease. Therefore, it has been classified as a Variant of Uncertain Significance.

NM_006531.5(IFT88):c.1113-6A>T

Gene: IFT88 (intraflagellar transport 88; plus strand). Cytogenetic location: 13q12.11.
Variant type: single nucleotide variant.
Coding change: c.1113-6A>T on transcript NM_006531.5 (MANE Select); 6 bases into the intron before coding-DNA position 1113, A replaced by T.
Molecular consequence: intron variant.
Genome position (GRCh38, 1-based): chr13:20,615,787, A>T. VCF-style: chr13-20615787-A-T. GRCh37 (hg19) VCF-style: chr13-21189926-A-T.
Other names: c.1140-6A>T (NM_001318493.2, NM_175605.5, NM_001353566.2 and 2 more transcripts); c.1113-6A>T (NM_001353568.2, NM_001353572.2); c.1038-6A>T (NM_001353570.2, NM_001353576.2, NM_001353577.2 and 1 more transcripts); c.1011-6A>T (NM_001353571.2, NM_001353578.2); c.480-6A>T (NM_001353579.2); c.1056-6A>T (NM_001353575.2, NM_001318491.2); c.1056-9963A>T (NM_001353573.2); c.954-6A>T (NM_001353574.2).
Identifiers: ClinVar variation 2813882 (VCV002813882.3), dbSNP rs1028969483, ClinGen allele CA246533294.